The following is an entry in ClinVar:

NM_005562.3(LAMC2):c.3572del (p.Glu1191fs)

Gene: LAMC2 (laminin subunit gamma 2; plus strand). Cytogenetic location: 1q25.3.
Variant type: Deletion.
Coding change: c.3572del on transcript NM_005562.3 (MANE Select); coding-DNA position 3572, one base deleted (A; older notation c.3572delA).
Protein change: p.Glu1191fs; shifts the reading frame from glutamic acid 1191.
Molecular consequence: frameshift variant.
Genome position (GRCh38, 1-based): chr1:183,243,390, A deleted. VCF-style (leftmost placement, unchanged base first): chr1-183243389-GA-G. GRCh37 (hg19) VCF-style: chr1-183212524-GA-G.
Other names: short protein forms E1191fs.
Identifiers: ClinVar variation 5004612 (VCV005004612.1).

ClinVar aggregate classification (germline): Uncertain significance (1 of 4 stars; one submission).

Conditions:
Junctional epidermolysis bullosa. Identifiers: Orphanet 305, MedGen C0079301, MONDO:0017612.

Submission:

Myriad Genetics, Inc.
Classification: Uncertain significance for Junctional epidermolysis bullosa. Last evaluated: 2026-04-20. Review status: criteria provided, single submitter. Criteria: Myriad Autosomal Dominant, Autosomal Recessive and X-Linked Classification Criteria (2023). Collection method: clinical testing. Allele origin: unknown.
Comment: NM_005562.2(LAMC2):c.3572delA(E1191Gfs*46) is a readthrough frameshift variant classified as a variant of uncertain significance in the context of junctional epidermolysis bullosa, LAMC2-related. E1191Gfs*46 has not been observed in cases with relevant disease. Relevant functional assessments of this variant are not available in the literature. E1191Gfs*46 has not been observed in referenced population frequency databases. In summary, there is insufficient evidence to classify NM_005562.2(LAMC2):c.3572delA(E1191Gfs*46) as pathogenic or benign. Please note: this variant was assessed in the context of healthy population screening.